The following is an entry in ClinVar:

NM_144508.5(KNL1):c.2561G>A (p.Gly854Asp)

Gene: KNL1 (kinetochore scaffold 1; plus strand). Cytogenetic location: 15q15.1.
Variant type: single nucleotide variant.
Coding change: c.2561G>A on transcript NM_144508.5 (MANE Select); coding-DNA position 2561, G replaced by A.
Protein change: p.Gly854Asp; replaces glycine 854 with aspartic acid.
Molecular consequence: missense variant.
Genome position (GRCh38, 1-based): chr15:40,622,825, G>A. VCF-style: chr15-40622825-G-A. GRCh37 (hg19) VCF-style: chr15-40915023-G-A.
Other names: c.2639G>A, p.Gly880Asp (NM_170589.5); short protein forms G854D, G880D.
Identifiers: ClinVar variation 2579617 (VCV002579617.1), dbSNP rs2504275128, ClinGen allele CA391741420.
Genomic context (GRCh38, chr15:40,622,825, plus strand): 5'-AGAAACCTAAATTTCCAAAGGAAAAGCAAAATGTCAAAATTTGGGGAAGGAAAAGTGTTG[G>A]TGGACCAAAAATTGATAAGACTATTGTATTTTCAGAAGACGATAAGAATGATATGGATAT-3'
Protein context (NP_653091.3, residues 844-864): NVKIWGRKSV[Gly854Asp]GPKIDKTIVF

ClinVar aggregate classification (germline): Uncertain significance (1 of 4 stars; one submission).

Allele frequency attached by ClinVar (database versions not stated): gnomAD exomes below 0.00001.

Submission:

GeneDx
Classification: Uncertain significance. Last evaluated: 2023-03-09. Review status: criteria provided, single submitter. Criteria: GeneDx Variant Classification Process June 2021. Collection method: clinical testing. Allele origin: germline. Affected: yes.
Comment: Not observed at significant frequency in large population cohorts (gnomAD); In silico analysis supports that this missense variant has a deleterious effect on protein structure/function; Has not been previously published as pathogenic or benign to our knowledge